The following is an entry in ClinVar:

ClinVar aggregate classification (germline): Uncertain significance. Review status: criteria provided, multiple submitters, no conflicts (2 of 4 stars). 2 submissions from 2 submitters: Uncertain significance (2). Last evaluated 2025-10-07.

Conditions:
Inborn genetic diseases. Identifiers: MedGen C0950123, MeSH D030342.

Submissions (2):

Ambry Genetics
Classification: Uncertain significance for Inborn genetic diseases. Last evaluated: 2025-10-07. Review status: criteria provided, single submitter. Criteria: Ambry Variant Classification Scheme 2023. Collection method: clinical testing. Allele origin: germline.
Comment: The p.V1146G variant (also known as c.3437T>G), located in coding exon 1 of the SAMD9 gene, results from a T to G substitution at nucleotide position 3437. The valine at codon 1146 is replaced by glycine, an amino acid with dissimilar properties. This amino acid position is conserved. In addition, this alteration is predicted to be tolerated by in silico analysis. Based on the available evidence, the clinical significance of this variant remains unclear.

GeneDx
Classification: Uncertain significance. Last evaluated: 2024-04-16. Review status: criteria provided, single submitter. Criteria: GeneDx Variant Classification Process June 2021. Collection method: clinical testing. Allele origin: germline. Affected: yes.
Comment: Not observed at significant frequency in large population cohorts (gnomAD); In silico analysis indicates that this missense variant does not alter protein structure/function; Has not been previously published as pathogenic or benign to our knowledge; This variant is associated with the following publications: (PMID: 28545555)

NM_017654.4(SAMD9):c.3437T>G (p.Val1146Gly)

Gene: SAMD9 (sterile alpha motif domain containing 9; minus strand). Cytogenetic location: 7q21.2.
Variant type: single nucleotide variant.
Coding change: c.3437T>G on transcript NM_017654.4 (MANE Select); coding-DNA position 3437, T replaced by G.
Protein change: p.Val1146Gly; replaces valine 1146 with glycine.
Molecular consequence: missense variant.
Genome position (GRCh38, 1-based): chr7:93,102,661, A>C on the plus strand (T>G on the coding strand, the complement: SAMD9 is on the minus strand). VCF-style: chr7-93102661-A-C. GRCh37 (hg19) VCF-style: chr7-92731974-A-C.
Other names: c.3437T>G, p.Val1146Gly (NM_001193307.2); short protein forms V1146G.
Identifiers: ClinVar variation 3372689 (VCV003372689.2).